The following is an entry in ClinVar:

ClinVar aggregate classification (germline): Uncertain significance (1 of 4 stars; one submission).

Submission:

GeneDx
Classification: Uncertain significance. Last evaluated: 2022-12-02. Review status: criteria provided, single submitter. Criteria: GeneDx Variant Classification Process June 2021. Collection method: clinical testing. Allele origin: germline. Affected: yes.
Comment: Not observed at significant frequency in large population cohorts (gnomAD); In silico analysis supports that this missense variant has a deleterious effect on protein structure/function; Has not been previously published as pathogenic or benign to our knowledge

NM_001379403.1(WDR26):c.1111T>C (p.Trp371Arg)

Gene: WDR26 (WD repeat domain 26; minus strand). Cytogenetic location: 1q42.12.
Variant type: single nucleotide variant.
Coding change: c.1111T>C on transcript NM_001379403.1 (MANE Select); coding-DNA position 1111, T replaced by C.
Protein change: p.Trp371Arg; replaces tryptophan 371 with arginine.
Molecular consequence: missense variant.
Genome position (GRCh38, 1-based): chr1:224,419,569, A>G on the plus strand (T>C on the coding strand, the complement: WDR26 is on the minus strand). VCF-style: chr1-224419569-A-G. GRCh37 (hg19) VCF-style: chr1-224607271-A-G.
Other names: c.763T>C, p.Trp255Arg (NM_001115113.3); c.811T>C, p.Trp271Arg (NM_025160.7); short protein forms W255R, W271R, W371R.
Identifiers: ClinVar variation 2504213 (VCV002504213.1), dbSNP rs2464746975, ClinGen allele CA344750257.
Genomic context (GRCh38, chr1:224,419,569, plus strand): 5'-GACTCTTACTCTGAAGTTTATCCAATAGTTTAGATCGGGAAGCTGTCCCTTTGCCTTCCC[A>G]TTCTGCTTTTGCACGTAGGTCTTCTGCATGGCTACACATCAGATACCTAAAAATACAACA-3'
Protein context (NP_001366332.1, residues 361-381): HAEDLRAKAE[Trp371Arg]EGKGTASRSK